The following is an entry in ClinVar:

NM_001042492.3(NF1):c.1919C>T (p.Thr640Ile)

Gene: NF1 (neurofibromin 1; plus strand). Cytogenetic location: 17q11.2.
Variant type: single nucleotide variant.
Coding change: c.1919C>T on transcript NM_001042492.3 (MANE Select); coding-DNA position 1919, C replaced by T.
Protein change: p.Thr640Ile; replaces threonine 640 with isoleucine.
Molecular consequence: missense variant.
Genome position (GRCh38, 1-based): chr17:31,225,168, C>T. VCF-style: chr17-31225168-C-T. GRCh37 (hg19) VCF-style: chr17-29552186-C-T.
Other names: c.1919C>T, p.Thr640Ile (NM_000267.4); short protein forms T640I.
Identifiers: ClinVar variation 635821 (VCV000635821.17), dbSNP rs1555613573, ClinGen allele CA399005318.

ClinVar aggregate classification (germline): Conflicting classifications of pathogenicity. Review status: criteria provided, conflicting classifications (1 of 4 stars). 5 submissions from 5 submitters: Uncertain significance (3); Likely benign (1). 1 of the submissions does not count toward it. Last evaluated 2026-04-16.

Conditions:
Neurofibroma. Identifiers: Orphanet 252183, MedGen C0027830, MeSH D009455, MONDO:0016755, HP:0001067.
Juvenile myelomonocytic leukemia (JMML). Also called: LEUKEMIA, JUVENILE MYELOMONOCYTIC, SOMATIC. Identifiers: Orphanet 86834, MedGen C0349639, MONDO:0011908, OMIM 607785, HP:0012209.
Neurofibromatosis, type 1 (NF1). Also called: VON RECKLINGHAUSEN DISEASE; Neurofibromatosis, type I; NEUROFIBROMATOSIS, TYPE I, SOMATIC; Peripheral type neurofibromatosis. Identifiers: Orphanet 636, MedGen C0027831, MONDO:0018975, OMIM 162200. Disease mechanism: loss of function.
Cardiovascular phenotype. Identifiers: MedGen CN230736.
Hereditary cancer-predisposing syndrome. Also called: Tumor predisposition; Hereditary Cancer Syndrome; Neoplastic Syndromes, Hereditary; Hereditary neoplastic syndrome. Identifiers: Orphanet 140162, MedGen C0027672, MeSH D009386, MONDO:0015356.

Submissions (5):

Ambry Genetics
Classification: Likely benign for Cardiovascular phenotype; Hereditary cancer-predisposing syndrome. Last evaluated: 2026-04-16. Review status: criteria provided, single submitter. Criteria: Ambry Variant Classification Scheme 2023. Collection method: clinical testing. Allele origin: germline.

Labcorp Genetics (formerly Invitae), Labcorp
Classification: Uncertain significance for Neurofibromatosis, type 1. Last evaluated: 2024-05-20. Review status: criteria provided, single submitter. Criteria: Invitae Variant Classification Sherloc (09022015). Collection method: clinical testing. Allele origin: germline.
Comment: This sequence change replaces threonine, which is neutral and polar, with isoleucine, which is neutral and non-polar, at codon 640 of the NF1 protein (p.Thr640Ile). This variant is not present in population databases (gnomAD no frequency). This missense change has been observed in individual(s) with clinical features of neurofibromatosis type 1 who also carried a pathogenic NF1 variant (PMID: 31533651). ClinVar contains an entry for this variant (Variation ID: 635821). Advanced modeling of protein sequence and biophysical properties (such as structural, functional, and spatial information, amino acid conservation, physicochemical variation, residue mobility, and thermodynamic stability) performed at Invitae indicates that this missense variant is not expected to disrupt NF1 protein function with a negative predictive value of 95%. In summary, the available evidence is currently insufficient to determine the role of this variant in disease. Therefore, it has been classified as a Variant of Uncertain Significance.

Baylor Genetics
Classification: Uncertain significance for Juvenile myelomonocytic leukemia. Last evaluated: 2023-10-26. Review status: criteria provided, single submitter. Criteria: ACMG Guidelines, 2015. Collection method: clinical testing. Allele origin: unknown.

Genome-Nilou Lab
Classification: Uncertain significance for Neurofibromatosis, type 1. Last evaluated: 2022-03-15. Review status: criteria provided, single submitter. Criteria: ACMG Guidelines, 2015. Collection method: clinical testing. Allele origin: germline. Affected: no.

Department of Ophthalmology, Shanghai Ninth people hospital, Shanghai Ninth People's Hospital, Shanghai Jiao Tong University
Classification: Pathogenic for Neurofibroma. Last evaluated: 2019-06-29. Review status: no assertion criteria provided. Collection method: clinical testing. Allele origin: germline. Affected: yes. Not counted in ClinVar's aggregate classification.

Literature cited by the submitters: PubMed 31533651 (cited by Labcorp Genetics (formerly Invitae), Labcorp).